The following is an entry in ClinVar:

NM_017799.4(TMEM260):c.1779-4C>G

Gene: TMEM260 (transmembrane protein 260; plus strand). Cytogenetic location: 14q22.3.
Variant type: single nucleotide variant.
Coding change: c.1779-4C>G on transcript NM_017799.4 (MANE Select); 4 bases into the intron before coding-DNA position 1779, C replaced by G.
Molecular consequence: intron variant.
Genome position (GRCh38, 1-based): chr14:56,636,504, C>G. VCF-style: chr14-56636504-C-G. GRCh37 (hg19) VCF-style: chr14-57103222-C-G.
Identifiers: ClinVar variation 778480 (VCV000778480.7), dbSNP rs77802607, ClinGen allele CA7200239.

ClinVar aggregate classification (germline): Benign. Review status: criteria provided, multiple submitters, no conflicts (2 of 4 stars). 3 submissions from 3 submitters: Benign (2). 1 of the submissions does not count toward it. Last evaluated 2019-12-31.

Conditions:
TMEM260-related disorder. Also called: TMEM260-related condition.

Allele frequency attached by ClinVar (database versions not stated): gnomAD exomes 0.00183 and 0.00497; ExAC 0.00609; gnomAD 0.01941 and 0.02060; TOPMed 0.02200; 1000 Genomes Project 0.02316; ESP Exome Variant Server 0.02384; 1000 Genomes Project 30x 0.02514.
gnomAD v4.1: 5,799 of 1,613,666 alleles (0.36%); highest among the groups gnomAD compares: African/African-American, 6.5%; 168 homozygotes.

Submissions (3):

Labcorp Genetics (formerly Invitae), Labcorp
Classification: Benign. Last evaluated: 2019-12-31. Review status: criteria provided, single submitter. Criteria: Invitae Variant Classification Sherloc (09022015). Collection method: clinical testing. Allele origin: germline.

Breakthrough Genomics
Classification: Benign. Review status: criteria provided, single submitter. Criteria: ACMG Guidelines, 2015. Collection method: not provided. Allele origin: germline. Inheritance: Autosomal recessive inheritance. Affected: yes.

PreventionGenetics, part of Exact Sciences
Classification: Benign for TMEM260-related condition. Last evaluated: 2020-01-02. Review status: no assertion criteria provided. Collection method: clinical testing. Allele origin: germline. Not counted in ClinVar's aggregate classification.
Comment: This variant is classified as benign based on ACMG/AMP sequence variant interpretation guidelines (Richards et al. 2015 PMID: 25741868, with internal and published modifications).